The following is an entry in ClinVar:

NM_052844.4(DYNC2I2):c.554A>T (p.His185Leu)

Gene: DYNC2I2 (dynein 2 intermediate chain 2; minus strand). Cytogenetic location: 9q34.11.
Variant type: single nucleotide variant.
Coding change: c.554A>T on transcript NM_052844.4 (MANE Select); coding-DNA position 554, A replaced by T.
Protein change: p.His185Leu; replaces histidine 185 with leucine.
Molecular consequence: missense variant.
Genome position (GRCh38, 1-based): chr9:128,636,430, T>A on the plus strand (A>T on the coding strand, the complement: DYNC2I2 is on the minus strand). VCF-style: chr9-128636430-T-A. GRCh37 (hg19) VCF-style: chr9-131398709-T-A.
Other names: short protein forms H185L.
Identifiers: ClinVar variation 2414993 (VCV002414993.6), dbSNP rs544202763, ClinGen allele CA375122846.

ClinVar aggregate classification (germline): Uncertain significance (1 of 4 stars; one submission).

Conditions:
Short-rib thoracic dysplasia 11 with or without polydactyly (SRTD11). Also called: SHORT-RIB THORACIC DYSPLASIA 11 WITHOUT POLYDACTYLY. Identifiers: Orphanet 474, Orphanet 93271, MedGen C3810200, MONDO:0014287, OMIM 615633.

gnomAD v4.1: 5 of 1,603,886 alleles (0.00031%); highest among the groups gnomAD compares: Non-Finnish European, 0.00034%; no homozygotes.

Submission:

Labcorp Genetics (formerly Invitae), Labcorp
Classification: Uncertain significance for Short-rib thoracic dysplasia 11 with or without polydactyly. Last evaluated: 2022-04-28. Review status: criteria provided, single submitter. Criteria: Invitae Variant Classification Sherloc (09022015). Collection method: clinical testing. Allele origin: germline.
Comment: This variant is present in population databases (no rsID available, gnomAD no frequency). This sequence change replaces histidine, which is basic and polar, with leucine, which is neutral and non-polar, at codon 185 of the WDR34 protein (p.His185Leu). This variant has not been reported in the literature in individuals affected with WDR34-related conditions. In summary, the available evidence is currently insufficient to determine the role of this variant in disease. Therefore, it has been classified as a Variant of Uncertain Significance. Algorithms developed to predict the effect of missense changes on protein structure and function are either unavailable or do not agree on the potential impact of this missense change (SIFT: "Deleterious"; PolyPhen-2: "Benign"; Align-GVGD: "Class C15").